The following is an entry in ClinVar:

ClinVar aggregate classification (germline): Uncertain significance (1 of 4 stars; one submission).

Conditions:
Methylmalonic acidemia with homocystinuria, type cblJ (MAHCJ). Also called: METHYLMALONIC ACIDURIA AND HOMOCYSTINURIA, cblJ TYPE. Identifiers: Orphanet 369955, MedGen C3553915, MONDO:0013925, OMIM 614857.

Allele frequency attached by ClinVar (database versions not stated): gnomAD 0.00001.
gnomAD v4.1: 1 of 1,614,124 alleles (0.000062%); highest among the groups gnomAD compares: Non-Finnish European, 0.000085%; no homozygotes.

Submission:

Labcorp Genetics (formerly Invitae), Labcorp
Classification: Uncertain significance for Methylmalonic acidemia with homocystinuria, type cblJ. Last evaluated: 2022-09-13. Review status: criteria provided, single submitter. Criteria: Invitae Variant Classification Sherloc (09022015). Collection method: clinical testing. Allele origin: germline.
Comment: This variant has not been reported in the literature in individuals affected with ABCD4-related conditions. In summary, the available evidence is currently insufficient to determine the role of this variant in disease. Therefore, it has been classified as a Variant of Uncertain Significance. Advanced modeling of protein sequence and biophysical properties (such as structural, functional, and spatial information, amino acid conservation, physicochemical variation, residue mobility, and thermodynamic stability) performed at Invitae indicates that this missense variant is not expected to disrupt ABCD4 protein function. This variant is present in population databases (no rsID available, gnomAD 0.007%). This sequence change replaces arginine, which is basic and polar, with threonine, which is neutral and polar, at codon 602 of the ABCD4 protein (p.Arg602Thr).

NM_005050.4(ABCD4):c.1805G>C (p.Arg602Thr)

Gene: ABCD4 (ATP binding cassette subfamily D member 4; minus strand). Cytogenetic location: 14q24.3.
Variant type: single nucleotide variant.
Coding change: c.1805G>C on transcript NM_005050.4 (MANE Select); coding-DNA position 1805, G replaced by C.
Protein change: p.Arg602Thr; replaces arginine 602 with threonine.
Molecular consequence: missense variant. On other transcripts: 3 prime UTR variant (11), non-coding transcript variant (10).
Genome position (GRCh38, 1-based): chr14:74,286,477, C>G on the plus strand (G>C on the coding strand, the complement: ABCD4 is on the minus strand). VCF-style: chr14-74286477-C-G. GRCh37 (hg19) VCF-style: chr14-74753180-C-G.
Other names: c.1679G>C, p.Arg560Thr (NM_001353591.2); c.*197G>C (NM_001353592.2, NM_001353594.2, NM_001353599.2 and 7 more transcripts); c.1544G>C, p.Arg515Thr (NM_001353593.2); c.1391G>C, p.Arg464Thr (NM_001353595.2, NM_001353596.2); c.1340G>C, p.Arg447Thr (NM_001353597.2); c.1328G>C, p.Arg443Thr (NM_001353598.2, NM_020324.3); c.1016G>C, p.Arg339Thr (NM_001353602.2, NM_001353603.2, NM_001353604.2 and 1 more transcripts); c.*313G>C (NM_001353610.2); and 1 more; short protein forms R339T, R443T, R560T, R602T, R447T, R464T, R559T, R515T.
Identifiers: ClinVar variation 2183879 (VCV002183879.4), dbSNP rs1476031630, ClinGen allele CA390376414.